The following is an entry in ClinVar:

ClinVar aggregate classification (germline): Likely benign. Review status: criteria provided, multiple submitters, no conflicts (2 of 4 stars). 3 submissions from 3 submitters: Likely benign (2). 1 of the submissions does not count toward it. Last evaluated 2024-06-22.

Conditions:
TMEM165-congenital disorder of glycosylation. Also called: CDG IIk; Congenital disorder of glycosylation type 2k; TMEM165-CDG. Identifiers: Orphanet 314667, MedGen C3553571, MONDO:0013870, OMIM 614727.
TMEM165-related disorder. Also called: TMEM165-related condition.

Allele frequency attached by ClinVar (database versions not stated): ExAC below 0.00001; gnomAD 0.00001; gnomAD exomes 0.00001; TOPMed 0.00001.
gnomAD v4.1: 7 of 1,437,208 alleles (0.00049%); highest among the groups gnomAD compares: Admixed American, 0.0052%; no homozygotes.

Submissions (3):

Labcorp Genetics (formerly Invitae), Labcorp
Classification: Likely benign for TMEM165-congenital disorder of glycosylation. Last evaluated: 2024-06-22. Review status: criteria provided, single submitter. Criteria: Invitae Variant Classification Sherloc (09022015). Collection method: clinical testing. Allele origin: germline.

GeneDx
Classification: Likely benign. Last evaluated: 2017-11-30. Review status: criteria provided, single submitter. Criteria: GeneDx Variant Classification (06012015). Collection method: clinical testing. Allele origin: germline. Affected: yes.
Comment: This variant is considered likely benign or benign based on one or more of the following criteria: it is a conservative change, it occurs at a poorly conserved position in the protein, it is predicted to be benign by multiple in silico algorithms, and/or has population frequency not consistent with disease.

PreventionGenetics, part of Exact Sciences
Classification: Likely benign for TMEM165-related condition. Last evaluated: 2020-04-29. Review status: no assertion criteria provided. Collection method: clinical testing. Allele origin: germline. Not counted in ClinVar's aggregate classification.
Comment: This variant is classified as likely benign based on ACMG/AMP sequence variant interpretation guidelines (Richards et al. 2015 PMID: 25741868, with internal and published modifications).

NM_018475.5(TMEM165):c.15T>C (p.Ala5=)

Genes: TMEM165 (transmembrane protein 165; plus strand), LOC129992613 (ATAC-STARR-seq lymphoblastoid silent region 15439; plus strand). Cytogenetic location: 4q12.
Variant type: single nucleotide variant.
Coding change: c.15T>C on transcript NM_018475.5 (MANE Select); coding-DNA position 15, T replaced by C.
Protein change: p.Ala5=; no amino-acid change (alanine 5 retained).
Molecular consequence: synonymous variant. On other transcripts: non-coding transcript variant (1).
Genome position (GRCh38, 1-based): chr4:55,396,204, T>C. VCF-style: chr4-55396204-T-C. GRCh37 (hg19) VCF-style: chr4-56262371-T-C.
Identifiers: ClinVar variation 513171 (VCV000513171.11), dbSNP rs764693617, ClinGen allele CA2925435.